The following is an entry in ClinVar:

ClinVar aggregate classification (germline): Benign. Review status: criteria provided, multiple submitters, no conflicts (2 of 4 stars). 2 submissions from 2 submitters: Benign (2). Last evaluated 2018-06-14.

Allele frequency attached by ClinVar (database versions not stated): 1000 Genomes Project 0.30931; 1000 Genomes Project 30x 0.31121; gnomAD 0.31213 and 0.31282; ESP Exome Variant Server 0.31300; gnomAD exomes 0.31351 and 0.32759; TOPMed 0.31494; ExAC 0.31791.
gnomAD v4.1: 519,873 of 1,593,222 alleles (33%); highest among the groups gnomAD compares: South Asian, 37%; 85,610 homozygotes.

Submissions (2):

GeneDx
Classification: Benign. Last evaluated: 2018-06-14. Review status: criteria provided, single submitter. Criteria: GeneDx Variant Classification (06012015). Collection method: clinical testing. Allele origin: germline. Affected: yes.
Comment: This variant is considered likely benign or benign based on one or more of the following criteria: it is a conservative change, it occurs at a poorly conserved position in the protein, it is predicted to be benign by multiple in silico algorithms, and/or has population frequency not consistent with disease.

Breakthrough Genomics
Classification: Benign. Review status: criteria provided, single submitter. Criteria: ACMG Guidelines, 2015. Collection method: not provided. Allele origin: germline. Inheritance: Autosomal recessive inheritance. Affected: yes.

NM_139343.3(BIN1):c.1462-44C>T

Gene: BIN1 (bridging integrator 1; minus strand). Cytogenetic location: 2q14.3.
Variant type: single nucleotide variant.
Coding change: c.1462-44C>T on transcript NM_139343.3 (MANE Select); 44 bases into the intron before coding-DNA position 1462, C replaced by T.
Molecular consequence: intron variant.
Genome position (GRCh38, 1-based): chr2:127,050,956, G>A on the plus strand (C>T on the coding strand, the complement: BIN1 is on the minus strand). VCF-style: chr2-127050956-G-A. GRCh37 (hg19) VCF-style: chr2-127808532-G-A.
Other names: c.1381-44C>T (NM_001320642.1); c.838-44C>T (NM_001320634.1); c.910-44C>T (NM_139351.3); c.1000-44C>T (NM_139350.3); c.1108-44C>T (NM_139349.3); c.1129-44C>T (NM_139348.3); c.1237-44C>T (NM_139347.3); c.1369-44C>T (NM_001320641.2); and 7 more.
Identifiers: ClinVar variation 678268 (VCV000678268.2), dbSNP rs2043798, ClinGen allele CA1857038.